The following is an entry in ClinVar:

NM_005876.5(SPEG):c.596C>T (p.Ala199Val)

Gene: SPEG (striated muscle enriched protein kinase; plus strand). Cytogenetic location: 2q35.
Variant type: single nucleotide variant.
Coding change: c.596C>T on transcript NM_005876.5 (MANE Select); coding-DNA position 596, C replaced by T.
Protein change: p.Ala199Val; replaces alanine 199 with valine.
Molecular consequence: missense variant.
Genome position (GRCh38, 1-based): chr2:219,444,942, C>T. VCF-style: chr2-219444942-C-T. GRCh37 (hg19) VCF-style: chr2-220309664-C-T.
Other names: c.596C>T (NM_005876.4); short protein forms A199V.
Identifiers: ClinVar variation 1432295 (VCV001432295.5), dbSNP rs200153486, ClinGen allele CA2125528.
Genomic context (GRCh38, chr2:219,444,942, plus strand): 5'-GCACCTCAGAGGAGCAAGTGAGCTGGTGGGGCAGCGGGCAGACGGTCCTGGAGCAGGAAG[C>T]GGGCAGTGGGGGTGGCACCCGCCGCCTCCCGGGCAGCCCAAGGCAAGCACAGGCAACCGG-3'
Protein context (NP_005867.3, residues 189-209): GSGQTVLEQE[Ala199Val]GSGGGTRRLP

ClinVar aggregate classification (germline): Uncertain significance. Review status: criteria provided, multiple submitters, no conflicts (2 of 4 stars). 2 submissions from 2 submitters: Uncertain significance (2). Last evaluated 2024-04-01.

Conditions:
Inborn genetic diseases. Identifiers: MedGen C0950123, MeSH D030342.

Allele frequency attached by ClinVar (database versions not stated): ExAC 0.00013; gnomAD exomes 0.00017 and 0.00044; gnomAD 0.00033 and 0.00034; TOPMed 0.00039; ESP Exome Variant Server 0.00065.
gnomAD v4.1: 686 of 1,590,374 alleles (0.043%); highest among the groups gnomAD compares: Non-Finnish European, 0.053%; no homozygotes.

Submissions (2):

Ambry Genetics
Classification: Uncertain significance for Inborn genetic diseases. Last evaluated: 2024-04-01. Review status: criteria provided, single submitter. Criteria: Ambry Variant Classification Scheme 2023. Collection method: clinical testing. Allele origin: germline.

Labcorp Genetics (formerly Invitae), Labcorp
Classification: Uncertain significance. Last evaluated: 2022-10-13. Review status: criteria provided, single submitter. Criteria: Invitae Variant Classification Sherloc (09022015). Collection method: clinical testing. Allele origin: germline.
Comment: This sequence change replaces alanine, which is neutral and non-polar, with valine, which is neutral and non-polar, at codon 199 of the SPEG protein (p.Ala199Val). This variant is present in population databases (rs200153486, gnomAD 0.03%). This variant has not been reported in the literature in individuals affected with SPEG-related conditions. ClinVar contains an entry for this variant (Variation ID: 1432295). Algorithms developed to predict the effect of missense changes on protein structure and function output the following: SIFT: "Tolerated"; PolyPhen-2: "Benign"; Align-GVGD: "Class C0". The valine amino acid residue is found in multiple mammalian species, which suggests that this missense change does not adversely affect protein function. In summary, the available evidence is currently insufficient to determine the role of this variant in disease. Therefore, it has been classified as a Variant of Uncertain Significance.